The following is an entry in ClinVar:

NM_025144.4(ALPK1):c.442G>T (p.Val148Phe)

Gene: ALPK1 (alpha kinase 1; plus strand). Cytogenetic location: 4q25.
Variant type: single nucleotide variant.
Coding change: c.442G>T on transcript NM_025144.4 (MANE Select); coding-DNA position 442, G replaced by T.
Protein change: p.Val148Phe; replaces valine 148 with phenylalanine.
Molecular consequence: missense variant.
Genome position (GRCh38, 1-based): chr4:112,411,992, G>T. VCF-style: chr4-112411992-G-T. GRCh37 (hg19) VCF-style: chr4-113333148-G-T.
Other names: c.442G>T, p.Val148Phe (NM_001102406.2); c.208G>T, p.Val70Phe (NM_001253884.2); short protein forms V148F, V70F.
Identifiers: ClinVar variation 4754098 (VCV004754098.1).
Genomic context (GRCh38, chr4:112,411,992, plus strand): 5'-CTGCAGGTCGCCAAAGGTCTCCACAAGTTGCAGCCAGCCACGCCAATTGCCCCGCAGGTG[G>T]TTATTCGCCAAGCCCGAATCTCCGTGAACTCAGGTATGCTCCCTCCTGCTGGCCGCCCCC-3'
Protein context (NP_079420.3, residues 138-158): QPATPIAPQV[Val148Phe]IRQARISVNS

ClinVar aggregate classification (germline): Uncertain significance (1 of 4 stars; one submission).

gnomAD v4.1: 14 of 1,614,026 alleles (0.00087%); highest among the groups gnomAD compares: Non-Finnish European, 0.0012%; no homozygotes.

Submission:

Labcorp Genetics (formerly Invitae), Labcorp
Classification: Uncertain significance. Last evaluated: 2025-07-21. Review status: criteria provided, single submitter. Criteria: Invitae Variant Classification Sherloc (09022015). Collection method: clinical testing. Allele origin: germline.
Comment: This sequence change replaces valine, which is neutral and non-polar, with phenylalanine, which is neutral and non-polar, at codon 148 of the ALPK1 protein (p.Val148Phe). This variant is not present in population databases (gnomAD no frequency). This variant has not been reported in the literature in individuals affected with ALPK1-related conditions. Invitae Evidence Modeling of protein sequence and biophysical properties (such as structural, functional, and spatial information, amino acid conservation, physicochemical variation, residue mobility, and thermodynamic stability) indicates that this missense variant is expected to disrupt ALPK1 protein function with a positive predictive value of 80%. In summary, the available evidence is currently insufficient to determine the role of this variant in disease. Therefore, it has been classified as a Variant of Uncertain Significance.